The following is an entry in ClinVar:

NM_182961.4(SYNE1):c.25776C>A (p.His8592Gln)

Gene: SYNE1 (spectrin repeat containing nuclear envelope protein 1; minus strand). Cytogenetic location: 6q25.2.
Variant type: single nucleotide variant.
Coding change: c.25776C>A on transcript NM_182961.4 (MANE Select); coding-DNA position 25776, C replaced by A.
Protein change: p.His8592Gln; replaces histidine 8592 with glutamine.
Molecular consequence: missense variant.
Genome position (GRCh38, 1-based): chr6:152,135,116, G>T on the plus strand (C>A on the coding strand, the complement: SYNE1 is on the minus strand). VCF-style: chr6-152135116-G-T. GRCh37 (hg19) VCF-style: chr6-152456251-G-T.
Other names: c.2382C>A, p.His794Gln (NM_001347701.2); c.2310C>A, p.His770Gln (NM_001347702.2); c.25632C>A, p.His8544Gln (NM_033071.5); short protein forms H770Q, H794Q, H8544Q, H8592Q.
Identifiers: ClinVar variation 1024760 (VCV001024760.6), dbSNP rs544950546, ClinGen allele CA4052746.

ClinVar aggregate classification (germline): Uncertain significance (1 of 4 stars; one submission).

Conditions:
Autosomal recessive ataxia, Beauce type. Also called: ATAXIA, RECESSIVE, OF BEAUCE; Spinocerebellar ataxia, autosomal recessive 8; SYNE1-Related Autosomal Recessive Cerebellar Ataxia; SYNE1 Deficiency. Identifiers: Orphanet 88644, MedGen C1853116, MONDO:0012549, OMIM 610743.
Emery-Dreifuss muscular dystrophy 4, autosomal dominant (EDMD4). Also called: EMERY-DREIFUSS MUSCULAR DYSTROPHY 4 WITH VARIABLE FEATURES. Identifiers: Orphanet 261, MedGen C2751807, MONDO:0013071, OMIM 612998.

Allele frequency attached by ClinVar (database versions not stated): TOPMed 0.00002.
gnomAD v4.1: 10 of 1,614,022 alleles (0.00062%); highest among the groups gnomAD compares: African/African-American, 0.0013%; no homozygotes.

Submission:

Labcorp Genetics (formerly Invitae), Labcorp
Classification: Uncertain significance for Emery-Dreifuss muscular dystrophy 4, autosomal dominant; Autosomal recessive ataxia, Beauce type. Last evaluated: 2022-02-08. Review status: criteria provided, single submitter. Criteria: Invitae Variant Classification Sherloc (09022015). Collection method: clinical testing. Allele origin: germline.
Comment: In summary, the available evidence is currently insufficient to determine the role of this variant in disease. Therefore, it has been classified as a Variant of Uncertain Significance. Algorithms developed to predict the effect of missense changes on protein structure and function are either unavailable or do not agree on the potential impact of this missense change (SIFT: "Deleterious"; PolyPhen-2: "Probably Damaging"; Align-GVGD: "Class C0"). ClinVar contains an entry for this variant (Variation ID: 1024760). This variant has not been reported in the literature in individuals affected with SYNE1-related conditions. This variant is present in population databases (rs544950546, gnomAD 0.002%). This sequence change replaces histidine, which is basic and polar, with glutamine, which is neutral and polar, at codon 8544 of the SYNE1 protein (p.His8544Gln).